The following is an entry in ClinVar:

NM_005378.6(MYCN):c.-17G>C

Genes: MYCN (MYCN proto-oncogene, bHLH transcription factor; plus strand), MYCNOS (MYCN opposite strand; minus strand). Cytogenetic location: 2p24.3.
Variant type: single nucleotide variant.
Coding change: c.-17G>C on transcript NM_005378.6 (MANE Select); 17 bases upstream of the start codon, G replaced by C.
Molecular consequence: 5 prime UTR variant. On other transcripts: synonymous variant (1), intron variant (1).
Genome position (GRCh38, 1-based): chr2:15,942,048, G>C. VCF-style: chr2-15942048-G-C. GRCh37 (hg19) VCF-style: chr2-16082170-G-C.
Other names: c.-17G>C (NM_001293228.2); c.258G>C, p.Pro86= (NM_001293233.2); c.157+1305G>C (NM_001293231.2).
Identifiers: ClinVar variation 509766 (VCV000509766.1), dbSNP rs41264197, ClinGen allele CA1538090.

ClinVar aggregate classification (germline): Likely benign (1 of 4 stars; one submission).

Allele frequency attached by ClinVar (database versions not stated): ExAC 0.00001; gnomAD 0.00003; TOPMed 0.00005; gnomAD exomes 0.00002.

Submission:

GeneDx
Classification: Likely benign. Last evaluated: 2017-05-25. Review status: criteria provided, single submitter. Criteria: GeneDx Variant Classification (06012015). Collection method: clinical testing. Allele origin: germline. Affected: yes.
Comment: This variant is considered likely benign or benign based on one or more of the following criteria: it is a conservative change, it occurs at a poorly conserved position in the protein, it is predicted to be benign by multiple in silico algorithms, and/or has population frequency not consistent with disease.